The following is an entry in ClinVar:

NM_172107.4(KCNQ2):c.2015del (p.Ser672fs)

Gene: KCNQ2 (potassium voltage-gated channel subfamily Q member 2; minus strand). Cytogenetic location: 20q13.33.
Variant type: Deletion.
Coding change: c.2015del on transcript NM_172107.4 (MANE Select); coding-DNA position 2015, one base deleted (G; older notation c.2015delG).
Protein change: p.Ser672fs; shifts the reading frame from serine 672.
Molecular consequence: frameshift variant.
Genome position (GRCh38, 1-based): chr20:63,407,248, C deleted on the plus strand (G on the coding strand, the reverse complement: KCNQ2 is on the minus strand). VCF-style (leftmost placement, unchanged base first): chr20-63407247-GC-G. GRCh37 (hg19) VCF-style: chr20-62038600-GC-G.
Other names: c.1931del, p.Ser644fs (NM_004518.6); c.1961del, p.Ser654fs (NM_172106.3); c.1922del, p.Ser641fs (NM_172108.5); short protein forms S641fs, S654fs, S644fs, S672fs.
Identifiers: ClinVar variation 21775 (VCV000021775.2), dbSNP rs118192243, ClinGen allele CA342488.

ClinVar aggregate classification (germline): not provided (0 of 4 stars; one submission).

Conditions:
Seizures, benign familial neonatal, 1. Also called: Benign Neonatal Epilepsy 1; KCNQ2-Related Benign Familial Neonatal Epilepsy; KCNQ2-Related Self-Limited Familial Neonatal Epilepsy (SLFNE); Seizures, benign neonatal, 1. Identifiers: Orphanet 1949, MedGen C3149074, MONDO:0007365, OMIM 121200.

Submission:

GeneReviews
No classification provided. Condition: Seizures, benign familial neonatal, 1. Review status: no classification provided. Collection method: literature only. Allele origin: germline. Affected: yes.
Comment: BFNE (benign familial neonatal epilepsy). In all patients, seizures persisted until 12-18 months.

Literature cited by the submitters: PubMed 14669214; PubMed 15178210; NCBI Bookshelf NBK32534.